The following is an entry in ClinVar:

ClinVar aggregate classification (germline): Uncertain significance (1 of 4 stars; one submission).

Allele frequency attached by ClinVar (database versions not stated): ExAC 0.00001; gnomAD 0.00001; gnomAD exomes 0.00001; TOPMed 0.00001.
gnomAD v4.1: 7 of 1,613,524 alleles (0.00043%); highest among the groups gnomAD compares: Admixed American, 0.012%; no homozygotes.

Submission:

Labcorp Genetics (formerly Invitae), Labcorp
Classification: Uncertain significance. Last evaluated: 2025-11-16. Review status: criteria provided, single submitter. Criteria: Invitae Variant Classification Sherloc (09022015). Collection method: clinical testing. Allele origin: germline.
Comment: This sequence change falls in intron 30 of the FBN3 gene. It does not directly change the encoded amino acid sequence of the FBN3 protein. It affects a nucleotide within the consensus splice site. This variant is present in population databases (rs768770635, gnomAD 0.009%). This variant has not been reported in the literature in individuals affected with FBN3-related conditions. ClinVar contains an entry for this variant (Variation ID: 1394774). Variants that disrupt the consensus splice site are a relatively common cause of aberrant splicing (PMID: 17576681, 9536098). Algorithms developed to predict the effect of sequence changes on RNA splicing suggest that this variant may disrupt the consensus splice site. In summary, the available evidence is currently insufficient to determine the role of this variant in disease. Therefore, it has been classified as a Variant of Uncertain Significance.

Literature cited by the submitters: PubMed 17576681; PubMed 9536098.

NM_032447.5(FBN3):c.3838+5G>T

Gene: FBN3 (fibrillin 3; minus strand). Cytogenetic location: 19p13.2.
Variant type: single nucleotide variant.
Coding change: c.3838+5G>T on transcript NM_032447.5 (MANE Select); 5 bases into the intron after coding-DNA position 3838, G replaced by T.
Molecular consequence: intron variant.
Genome position (GRCh38, 1-based): chr19:8,115,510, C>A on the plus strand (G>T on the coding strand, the complement: FBN3 is on the minus strand). VCF-style: chr19-8115510-C-A. GRCh37 (hg19) VCF-style: chr19-8180394-C-A.
Other names: c.3838+5G>T (NM_001321431.2).
Identifiers: ClinVar variation 1394774 (VCV001394774.6), dbSNP rs768770635, ClinGen allele CA9152318.